The following is an entry in ClinVar:

NM_000170.3(GLDC):c.2748G>A (p.Leu916=)

Gene: GLDC (glycine decarboxylase; minus strand). Cytogenetic location: 9p24.1.
Variant type: single nucleotide variant.
Coding change: c.2748G>A on transcript NM_000170.3 (MANE Select); coding-DNA position 2748, G replaced by A.
Protein change: p.Leu916=; no amino-acid change (leucine 916 retained).
Molecular consequence: synonymous variant.
Genome position (GRCh38, 1-based): chr9:6,536,154, C>T on the plus strand (G>A on the coding strand, the complement: GLDC is on the minus strand). VCF-style: chr9-6536154-C-T. GRCh37 (hg19) VCF-style: chr9-6536154-C-T.
Identifiers: ClinVar variation 367175 (VCV000367175.20), dbSNP rs139982267, ClinGen allele CA4980082.

ClinVar aggregate classification (germline): Benign/Likely benign. Review status: criteria provided, multiple submitters, no conflicts (2 of 4 stars). 7 submissions from 7 submitters: Benign (1); Likely benign (5). 1 of the submissions does not count toward it. Last evaluated 2026-02-03.

Conditions:
GLDC-related disorder. Also called: GLDC-related condition.
Glycine encephalopathy. Also called: Nonketotic hyperglycinemia; Non-ketotic hyperglycinemia. Identifiers: Orphanet 407, MedGen C0751748, MONDO:0011612, HP:0008288.

Allele frequency attached by ClinVar (database versions not stated): gnomAD exomes 0.00016 and 0.00054; ExAC 0.00064; ESP Exome Variant Server 0.00192; gnomAD 0.00193 and 0.00203; TOPMed 0.00217; 1000 Genomes Project 0.00220; 1000 Genomes Project 30x 0.00265.
gnomAD v4.1: 532 of 1,614,098 alleles (0.033%); highest among the groups gnomAD compares: African/African-American, 0.59%; 2 homozygotes.

Submissions (7):

Labcorp Genetics (formerly Invitae), Labcorp
Classification: Benign for Glycine encephalopathy. Last evaluated: 2026-02-03. Review status: criteria provided, single submitter. Criteria: Invitae Variant Classification Sherloc (09022015). Collection method: clinical testing. Allele origin: germline.

PreventionGenetics, part of Exact Sciences
Classification: Likely benign for GLDC-related condition. Last evaluated: 2025-02-10. Review status: criteria provided, single submitter. Criteria: ACMG Guidelines, 2015. Collection method: clinical testing. Allele origin: germline.
Comment: This variant is classified as likely benign based on ACMG/AMP sequence variant interpretation guidelines (Richards et al. 2015 PMID: 25741868, with internal and published modifications).

Blueprint Genetics
Classification: Likely benign. Last evaluated: 2024-07-18. Review status: criteria provided, single submitter. Criteria: ACMG Guidelines, 2015. Collection method: clinical testing. Allele origin: germline.

GeneDx
Classification: Likely benign. Last evaluated: 2020-10-12. Review status: criteria provided, single submitter. Criteria: GeneDx Variant Classification Process June 2021. Collection method: clinical testing. Allele origin: germline. Affected: yes.

Illumina Laboratory Services, Illumina
Classification: Likely benign for Glycine encephalopathy 1. Last evaluated: 2018-01-12. Review status: criteria provided, single submitter. Criteria: ICSL Variant Classification Criteria 13 December 2019. Collection method: clinical testing. Allele origin: germline.
Comment: This variant was observed in the ICSL laboratory as part of a predisposition screen in an ostensibly healthy population. It had not been previously curated by ICSL or reported in the Human Gene Mutation Database (HGMD: prior to June 1st, 2018), and was therefore a candidate for classification through an automated scoring system. Utilizing variant allele frequency, disease prevalence and penetrance estimates, and inheritance mode, an automated score was calculated to assess if this variant is too frequent to cause the disease. Based on the score and internal cut-off values, a variant classified as likely benign is not then subjected to further curation. The score for this variant resulted in a classification of likely benign for this disease.

Breakthrough Genomics
Classification: Likely benign. Review status: criteria provided, single submitter. Criteria: ACMG Guidelines, 2015. Collection method: not provided. Allele origin: germline. Inheritance: Autosomal recessive inheritance. Affected: yes.

Natera, Inc.
Classification: Likely benign for Non-ketotic hyperglycinemia. Last evaluated: 2020-06-04. Review status: no assertion criteria provided. Collection method: clinical testing. Allele origin: germline. Not counted in ClinVar's aggregate classification.